The following is an entry in ClinVar:

ClinVar aggregate classification (germline): Uncertain significance. Review status: criteria provided, multiple submitters, no conflicts (2 of 4 stars). 2 submissions from 2 submitters: Uncertain significance (2). Last evaluated 2024-09-05.

Conditions:
Cardiovascular phenotype. Identifiers: MedGen CN230736.
Hypertrophic cardiomyopathy. Also called: HYPERTROPHIC MYOCARDIOPATHY. Identifiers: Orphanet 217569, MedGen C0007194, MeSH D002312, MONDO:0005045, HP:0001639.

Submissions (2):

Ambry Genetics
Classification: Uncertain significance for Cardiovascular phenotype. Last evaluated: 2024-09-05. Review status: criteria provided, single submitter. Criteria: Ambry Variant Classification Scheme 2023. Collection method: clinical testing. Allele origin: germline.
Comment: The p.D2H variant (also known as c.4G>C), located in coding exon 1 of the TPM1 gene, results from a G to C substitution at nucleotide position 4. The aspartic acid at codon 2 is replaced by histidine, an amino acid with similar properties. This amino acid position is highly conserved in available vertebrate species. In addition, this alteration is predicted to be deleterious by in silico analysis. Based on the available evidence, the clinical significance of this variant remains unclear.

Labcorp Genetics (formerly Invitae), Labcorp
Classification: Uncertain significance for Hypertrophic cardiomyopathy. Last evaluated: 2022-04-12. Review status: criteria provided, single submitter. Criteria: Invitae Variant Classification Sherloc (09022015). Collection method: clinical testing. Allele origin: germline.
Comment: In summary, the available evidence is currently insufficient to determine the role of this variant in disease. Therefore, it has been classified as a Variant of Uncertain Significance. Algorithms developed to predict the effect of missense changes on protein structure and function are either unavailable or do not agree on the potential impact of this missense change (SIFT: "Deleterious"; PolyPhen-2: "Probably Damaging"; Align-GVGD: "Class C0"). ClinVar contains an entry for this variant (Variation ID: 408134). This variant has not been reported in the literature in individuals affected with TPM1-related conditions. This variant is not present in population databases (gnomAD no frequency). This sequence change replaces aspartic acid, which is acidic and polar, with histidine, which is basic and polar, at codon 2 of the TPM1 protein (p.Asp2His).

NM_001018005.2(TPM1):c.4G>C (p.Asp2His)

Gene: TPM1 (tropomyosin 1; plus strand). Cytogenetic location: 15q22.2.
Variant type: single nucleotide variant.
Coding change: c.4G>C on transcript NM_001018005.2 (MANE Select); coding-DNA position 4, G replaced by C.
Protein change: p.Asp2His; replaces aspartic acid 2 with histidine.
Molecular consequence: missense variant.
Genome position (GRCh38, 1-based): chr15:63,042,833, G>C. VCF-style: chr15-63042833-G-C. GRCh37 (hg19) VCF-style: chr15-63335032-G-C.
Other names: c.4G>C, p.Asp2His (NM_000366.6, NM_001018004.2, NM_001018006.2 and 7 more transcripts); short protein forms D2H.
Identifiers: ClinVar variation 408134 (VCV000408134.13), dbSNP rs1060501865, ClinGen allele CA16614538.